The following is an entry in ClinVar:

ClinVar aggregate classification (germline): Uncertain significance. Review status: criteria provided, multiple submitters, no conflicts (2 of 4 stars). 3 submissions from 3 submitters: Uncertain significance (3). Last evaluated 2026-08-10.

Conditions:
Inborn genetic diseases. Identifiers: MedGen C0950123, MeSH D030342.

Allele frequency attached by ClinVar (database versions not stated): ESP Exome Variant Server 0.00015; gnomAD exomes 0.00005; gnomAD 0.00007; TOPMed 0.00020; ExAC 0.00002.
gnomAD v4.1: 87 of 1,613,818 alleles (0.0054%); highest among the groups gnomAD compares: Admixed American, 0.012%; no homozygotes.

Submissions (3):

GeneDx
Classification: Uncertain significance. Last evaluated: 2026-08-10. Review status: criteria provided, single submitter. Criteria: GeneDx Variant Classification Process June 2021. Collection method: clinical testing. Allele origin: germline.
Comment: In silico analysis supports that this missense variant has a deleterious effect on protein structure/function; Has not been previously published as pathogenic or benign to our knowledge

Labcorp Genetics (formerly Invitae), Labcorp
Classification: Uncertain significance. Last evaluated: 2023-11-28. Review status: criteria provided, single submitter. Criteria: Invitae Variant Classification Sherloc (09022015). Collection method: clinical testing. Allele origin: germline.
Comment: This sequence change replaces arginine, which is basic and polar, with tryptophan, which is neutral and slightly polar, at codon 804 of the ANK3 protein (p.Arg804Trp). This variant is present in population databases (rs368634935, gnomAD 0.02%). This variant has not been reported in the literature in individuals affected with ANK3-related conditions. Advanced modeling of protein sequence and biophysical properties (such as structural, functional, and spatial information, amino acid conservation, physicochemical variation, residue mobility, and thermodynamic stability) performed at Invitae indicates that this missense variant is not expected to disrupt ANK3 protein function with a negative predictive value of 80%. In summary, the available evidence is currently insufficient to determine the role of this variant in disease. Therefore, it has been classified as a Variant of Uncertain Significance.

Ambry Genetics
Classification: Uncertain significance for Inborn genetic diseases. Last evaluated: 2022-04-22. Review status: criteria provided, single submitter. Criteria: Ambry Variant Classification Scheme 2023. Collection method: clinical testing. Allele origin: germline.

NM_020987.5(ANK3):c.2410C>T (p.Arg804Trp)

Gene: ANK3 (ankyrin 3; minus strand). Cytogenetic location: 10q21.2.
Variant type: single nucleotide variant.
Coding change: c.2410C>T on transcript NM_020987.5 (MANE Select); coding-DNA position 2410, C replaced by T.
Protein change: p.Arg804Trp; replaces arginine 804 with tryptophan.
Molecular consequence: missense variant.
Genome position (GRCh38, 1-based): chr10:60,172,376, G>A on the plus strand (C>T on the coding strand, the complement: ANK3 is on the minus strand). VCF-style: chr10-60172376-G-A. GRCh37 (hg19) VCF-style: chr10-61932134-G-A.
Other names: c.2392C>T, p.Arg798Trp (NM_001204403.2); c.2359C>T, p.Arg787Trp (NM_001204404.2); c.2410C>T, p.Arg804Trp (NM_001320874.2); short protein forms R798W, R787W, R804W.
Identifiers: ClinVar variation 2920337 (VCV002920337.5), dbSNP rs368634935, ClinGen allele CA5512820.